The following is an entry in ClinVar:

ClinVar aggregate classification (germline): Uncertain significance (1 of 4 stars; one submission).

Conditions:
Congenital multicore myopathy with external ophthalmoplegia (CMYO1B). Also called: MULTIMINICORE DISEASE WITH EXTERNAL OPHTHALMOPLEGIA; Minicore myopathy with external ophthalmoplegia; Congenital myopathy 1B, autosomal recessive; Minicore myopathy; MULTICORE MYOPATHY. Identifiers: Orphanet 598, Orphanet 98905, MedGen C1850674, MONDO:0009712, OMIM 255320, HP:0003789.
Central core myopathy (CMYO1A). Also called: CONGENITAL MYOPATHY 1A, AUTOSOMAL DOMINANT, WITH SUSCEPTIBILITY TO MALIGNANT HYPERTHERMIA; Central core disease; Myopathy, central fibrillar. Identifiers: Orphanet 597, MedGen C5830701, MONDO:0007294, OMIM 117000.
King Denborough syndrome (KDS). Identifiers: MedGen C1840365, MONDO:0020485, OMIM 619542.
Malignant hyperthermia, susceptibility to, 1 (MHS1). Also called: Malignant hyperthermia suceptibility 1; Anesthesia related hyperthermia; Malignant hyperpyrexia; Fulminating hyperpyrexia; Pharmacogenic myopathy; RYR1-Related Malignant Hyperthermia Susceptibility. Identifiers: Orphanet 423, MedGen C2930980, MONDO:0007783, OMIM 145600.

Submission:

Juno Genomics, Hangzhou Juno Genomics, Inc
Classification: Uncertain significance for Central core myopathy; Congenital multicore myopathy with external ophthalmoplegia; Malignant hyperthermia, susceptibility to, 1; King Denborough syndrome. Review status: criteria provided, single submitter. Criteria: ACMG Guidelines, 2015. Collection method: clinical testing. Allele origin: germline.
Comment: Null variant in a gene where loss of function (LOF) is a known mechanism of disease.;Absent from controls (or at extremely low frequency if recessive) in Genome Aggregation Database.

NM_000540.3(RYR1):c.13437+2T>C

Gene: RYR1 (ryanodine receptor 1; plus strand). Cytogenetic location: 19q13.2.
Variant type: single nucleotide variant.
Coding change: c.13437+2T>C on transcript NM_000540.3 (MANE Select); the canonical splice donor site of the intron after coding-DNA position 13437, T replaced by C.
Molecular consequence: splice donor variant.
Genome position (GRCh38, 1-based): chr19:38,565,773, T>C. VCF-style: chr19-38565773-T-C. GRCh37 (hg19) VCF-style: chr19-39056413-T-C.
Other names: c.13422+2T>C (NM_001042723.2).
Identifiers: ClinVar variation 5005986 (VCV005005986.2).